The following is an entry in ClinVar:

NM_004260.4(RECQL4):c.3274C>A (p.Gln1092Lys)

Gene: RECQL4 (RecQ like helicase 4; minus strand). Cytogenetic location: 8q24.3.
Variant type: single nucleotide variant.
Coding change: c.3274C>A on transcript NM_004260.4 (MANE Select); coding-DNA position 3274, C replaced by A.
Protein change: p.Gln1092Lys; replaces glutamine 1092 with lysine.
Molecular consequence: missense variant. On other transcripts: non-coding transcript variant (3).
Genome position (GRCh38, 1-based): chr8:144,512,030, G>T on the plus strand (C>A on the coding strand, the complement: RECQL4 is on the minus strand). VCF-style: chr8-144512030-G-T. GRCh37 (hg19) VCF-style: chr8-145737413-G-T.
Other names: c.2980C>A, p.Gln994Lys (NM_001413017.1); c.3076C>A, p.Gln1026Lys (NM_001413018.1); c.3349C>A, p.Gln1117Lys (NM_001413019.1); c.3178C>A, p.Gln1060Lys (NM_001413020.1); c.2203C>A, p.Gln735Lys (NM_001413021.1, NM_001413022.1, NM_001413024.1 and 4 more transcripts); c.2278C>A, p.Gln760Lys (NM_001413023.1); c.3145C>A, p.Gln1049Lys (NM_001413025.1); c.2137C>A, p.Gln713Lys (NM_001413027.1, NM_001413030.1, NM_001413032.1); and 9 more; short protein forms Q1026K, Q1048K, Q603K, Q669K, Q738K, Q975K, Q1049K, Q1060K.
Identifiers: ClinVar variation 2908007 (VCV002908007.3), dbSNP rs930778534, ClinGen allele CA372669078.

ClinVar aggregate classification (germline): Uncertain significance (1 of 4 stars; one submission).

Conditions:
Baller-Gerold syndrome (BGS). Also called: CRANIOSYNOSTOSIS WITH RADIAL DEFECTS. Identifiers: Orphanet 1225, MedGen C0265308, MONDO:0009039, OMIM 218600.

Submission:

Labcorp Genetics (formerly Invitae), Labcorp
Classification: Uncertain significance for Baller-Gerold syndrome. Last evaluated: 2023-09-20. Review status: criteria provided, single submitter. Criteria: Invitae Variant Classification Sherloc (09022015). Collection method: clinical testing. Allele origin: germline.
Comment: In summary, the available evidence is currently insufficient to determine the role of this variant in disease. Therefore, it has been classified as a Variant of Uncertain Significance. Advanced modeling of protein sequence and biophysical properties (such as structural, functional, and spatial information, amino acid conservation, physicochemical variation, residue mobility, and thermodynamic stability) performed at Invitae indicates that this missense variant is not expected to disrupt RECQL4 protein function. This variant has not been reported in the literature in individuals affected with RECQL4-related conditions. This variant is not present in population databases (gnomAD no frequency). This sequence change replaces glutamine, which is neutral and polar, with lysine, which is basic and polar, at codon 1092 of the RECQL4 protein (p.Gln1092Lys).